The following is an entry in ClinVar:

NM_001378120.1(MBD5):c.740C>T (p.Pro247Leu)

Gene: MBD5 (methyl-CpG binding domain protein 5; plus strand). Cytogenetic location: 2q23.1.
Variant type: single nucleotide variant.
Coding change: c.740C>T on transcript NM_001378120.1 (MANE Select); coding-DNA position 740, C replaced by T.
Protein change: p.Pro247Leu; replaces proline 247 with leucine.
Molecular consequence: missense variant.
Genome position (GRCh38, 1-based): chr2:148,468,683, C>T. VCF-style: chr2-148468683-C-T. GRCh37 (hg19) VCF-style: chr2-149226252-C-T.
Other names: p.P247L:CCT>CTT; c.740C>T, p.Pro247Leu (NM_018328.5); short protein forms P247L.
Identifiers: ClinVar variation 206061 (VCV000206061.2), dbSNP rs796052707, ClinGen allele CA315778.

ClinVar aggregate classification (germline): Uncertain significance (1 of 4 stars; one submission).

Allele frequency attached by ClinVar (database versions not stated): gnomAD 0.00001.
gnomAD v4.1: 2 of 1,613,746 alleles (0.00012%); no homozygotes.

Submission:

GeneDx
Classification: Uncertain significance. Last evaluated: 2014-06-17. Review status: criteria provided, single submitter. Criteria: GeneDx Variant Classification (06012015). Collection method: clinical testing. Allele origin: germline. Affected: yes.
Comment: p.Pro247Leu (P247L) CCT>CTT: c.740 C>T in exon 9 of the MBD5 gene (NM_018328.4) The P247L variant has not been published as a mutation, nor has it been reported as a benign polymorphism to our knowledge. It was not observed in approximately 6,500 individuals of European and African American ancestry in the NHLBI Exome Sequencing Project, indicating it is not a common benign variant in these populations. The P247L variant is a semi-conservative amino acid substitution, which may impact secondary protein structure as these residues differ in some properties. It alters a position that is conserved in mammals. In silico analysis is inconsistent in its predictions as to whether or not the variant is damaging to the protein structure/function. Therefore, based on the currently available information, it is unclear whether this variant is a pathogenic mutation or a rare benign variant. The variant is found in RETT-EPI panel(s).